The following is an entry in ClinVar:

ClinVar aggregate classification (germline): Uncertain significance (1 of 4 stars; one submission).

Submission:

Labcorp Genetics (formerly Invitae), Labcorp
Classification: Uncertain significance. Last evaluated: 2023-07-29. Review status: criteria provided, single submitter. Criteria: Invitae Variant Classification Sherloc (09022015). Collection method: clinical testing. Allele origin: germline.
Comment: Advanced modeling of protein sequence and biophysical properties (such as structural, functional, and spatial information, amino acid conservation, physicochemical variation, residue mobility, and thermodynamic stability) has been performed at Invitae for this missense variant, however the output from this modeling did not meet the statistical confidence thresholds required to predict the impact of this variant on LEMD3 protein function. In summary, the available evidence is currently insufficient to determine the role of this variant in disease. Therefore, it has been classified as a Variant of Uncertain Significance. This variant has not been reported in the literature in individuals affected with LEMD3-related conditions. This sequence change replaces isoleucine, which is neutral and non-polar, with serine, which is neutral and polar, at codon 748 of the LEMD3 protein (p.Ile748Ser). This variant is not present in population databases (gnomAD no frequency).

NM_014319.5(LEMD3):c.2243T>G (p.Ile748Ser)

Gene: LEMD3 (LEM domain containing 3; plus strand). Cytogenetic location: 12q14.3.
Variant type: single nucleotide variant.
Coding change: c.2243T>G on transcript NM_014319.5 (MANE Select); coding-DNA position 2243, T replaced by G.
Protein change: p.Ile748Ser; replaces isoleucine 748 with serine.
Molecular consequence: missense variant.
Genome position (GRCh38, 1-based): chr12:65,241,025, T>G. VCF-style: chr12-65241025-T-G. GRCh37 (hg19) VCF-style: chr12-65634805-T-G.
Other names: c.2240T>G, p.Ile747Ser (NM_001167614.2); short protein forms I747S, I748S.
Identifiers: ClinVar variation 2748263 (VCV002748263.3), dbSNP rs2498908865, ClinGen allele CA385673060.